The following is an entry in ClinVar:

ClinVar aggregate classification (germline): Uncertain significance. Review status: criteria provided, multiple submitters, no conflicts (2 of 4 stars). 2 submissions from 2 submitters: Uncertain significance (2). Last evaluated 2025-11-25.

Conditions:
Inborn genetic diseases. Identifiers: MedGen C0950123, MeSH D030342.
Acute myeloid leukemia (AML). Also called: Leukemia, acute myeloid, somatic; Leukemia, acute myelogenous, somatic; Acute myeloid leukemia, adult; AML adult; Acute non-lymphocytic leukemia; Acute granulocytic leukemia. Identifiers: Orphanet 519, MedGen C0023467, MeSH D015470, MONDO:0018874, OMIM 601626, HP:0004808. Disease mechanism: Constitutively activated FLT3.

Submissions (2):

Ambry Genetics
Classification: Uncertain significance for Inborn genetic diseases. Last evaluated: 2025-11-25. Review status: criteria provided, single submitter. Criteria: Ambry Variant Classification Scheme 2023. Collection method: clinical testing. Allele origin: germline.
Comment: The p.M120V variant (also known as c.358A>G), located in coding exon 1 of the CEBPA gene, results from an A to G substitution at nucleotide position 358. The methionine at codon 120 is replaced by valine, an amino acid with highly similar properties. This amino acid position is conserved. In addition, this alteration is predicted to be tolerated by in silico analysis. Based on the available evidence, the clinical significance of this variant remains unclear.

Labcorp Genetics (formerly Invitae), Labcorp
Classification: Uncertain significance for Acute myeloid leukemia. Last evaluated: 2022-11-01. Review status: criteria provided, single submitter. Criteria: Invitae Variant Classification Sherloc (09022015). Collection method: clinical testing. Allele origin: germline.
Comment: ClinVar contains an entry for this variant (Variation ID: 456681). In summary, the available evidence is currently insufficient to determine the role of this variant in disease. Therefore, it has been classified as a Variant of Uncertain Significance. Algorithms developed to predict the effect of missense changes on protein structure and function (SIFT, PolyPhen-2, Align-GVGD) all suggest that this variant is likely to be tolerated. This variant has not been reported in the literature in individuals affected with CEBPA-related conditions. The frequency data for this variant in the population databases is considered unreliable, as metrics indicate insufficient coverage at this position in the gnomAD database. This sequence change replaces methionine, which is neutral and non-polar, with valine, which is neutral and non-polar, at codon 120 of the CEBPA protein (p.Met120Val).

NM_004364.5(CEBPA):c.358A>G (p.Met120Val)

Gene: CEBPA (CCAAT enhancer binding protein alpha; minus strand). Cytogenetic location: 19q13.11.
Variant type: single nucleotide variant.
Coding change: c.358A>G on transcript NM_004364.5 (MANE Select); coding-DNA position 358, A replaced by G.
Protein change: p.Met120Val; replaces methionine 120 with valine.
Molecular consequence: missense variant. On other transcripts: initiator codon variant (1).
Genome position (GRCh38, 1-based): chr19:33,302,057, T>C on the plus strand (A>G on the coding strand, the complement: CEBPA is on the minus strand). VCF-style: chr19-33302057-T-C. GRCh37 (hg19) VCF-style: chr19-33792963-T-C.
Other names: c.1A>G, p.Met1Val (NM_001285829.2); c.463A>G, p.Met155Val (NM_001287424.2); c.316A>G, p.Met106Val (NM_001287435.2); c.358A>G (NM_004364.3); short protein forms M120V, M106V, M155V, M1V.
Identifiers: ClinVar variation 456681 (VCV000456681.11), dbSNP rs1555742209, ClinGen allele CA405275120.